The following is an entry in ClinVar:

ClinVar aggregate classification (germline): Uncertain significance (1 of 4 stars; one submission).

Conditions:
Hereditary cancer-predisposing syndrome. Also called: Hereditary Cancer Syndrome; Hereditary neoplastic syndrome; Neoplastic Syndromes, Hereditary; Tumor predisposition. Identifiers: Orphanet 140162, MedGen C0027672, MeSH D009386, MONDO:0015356.

Submission:

Ambry Genetics
Classification: Uncertain significance for Hereditary cancer-predisposing syndrome. Last evaluated: 2020-12-14. Review status: criteria provided, single submitter. Criteria: Ambry Variant Classification Scheme 2023. Collection method: clinical testing. Allele origin: germline.
Comment: The p.Y332S variant (also known as c.995A>C), located in coding exon 7 of the ATM gene, results from an A to C substitution at nucleotide position 995. The tyrosine at codon 332 is replaced by serine, an amino acid with dissimilar properties. This amino acid position is highly conserved in available vertebrate species. In addition, the in silico prediction for this alteration is inconclusive. Since supporting evidence is limited at this time, the clinical significance of this alteration remains unclear.

NM_000051.4(ATM):c.995A>C (p.Tyr332Ser)

Gene: ATM (ATM serine/threonine kinase; plus strand). Cytogenetic location: 11q22.3.
Variant type: single nucleotide variant.
Coding change: c.995A>C on transcript NM_000051.4 (MANE Select); coding-DNA position 995, A replaced by C.
Protein change: p.Tyr332Ser; replaces tyrosine 332 with serine.
Molecular consequence: missense variant.
Genome position (GRCh38, 1-based): chr11:108,247,057, A>C. VCF-style: chr11-108247057-A-C. GRCh37 (hg19) VCF-style: chr11-108117784-A-C.
Other names: c.995A>C, p.Tyr332Ser (NM_001351834.2); short protein forms Y332S.
Identifiers: ClinVar variation 1768721 (VCV001768721.2), dbSNP rs1060501664, ClinGen allele CA382531305.